The following is an entry in ClinVar:

ClinVar aggregate classification (germline): Uncertain significance (1 of 4 stars; one submission).

Conditions:
Peutz-Jeghers syndrome (PJS). Also called: POLYPOSIS, HAMARTOMATOUS INTESTINAL; POLYPS-AND-SPOTS SYNDROME; Peutz-Jeghers polyposis; Periorificial lentiginosis syndrome. Identifiers: Orphanet 2869, MedGen C0031269, MeSH D010580, MONDO:0008280, OMIM 175200.

gnomAD v4.1: 1 of 1,613,310 alleles (0.000062%); highest among the groups gnomAD compares: Non-Finnish European, 0.000085%; no homozygotes.

Submission:

Labcorp Genetics (formerly Invitae), Labcorp
Classification: Uncertain significance for Peutz-Jeghers syndrome. Last evaluated: 2025-11-13. Review status: criteria provided, single submitter. Criteria: Invitae Variant Classification Sherloc (09022015). Collection method: clinical testing. Allele origin: germline.
Comment: This sequence change replaces histidine, which is basic and polar, with glutamine, which is neutral and polar, at codon 27 of the STK11 protein (p.His27Gln). This variant is not present in population databases (gnomAD no frequency). This variant has not been reported in the literature in individuals affected with STK11-related conditions. ClinVar contains an entry for this variant (Variation ID: 3640432). Invitae Evidence Modeling of protein sequence and biophysical properties (such as structural, functional, and spatial information, amino acid conservation, physicochemical variation, residue mobility, and thermodynamic stability) has been performed for this missense variant. However, the output from this modeling did not meet the statistical confidence thresholds required to predict the impact of this variant on STK11 protein function. In summary, the available evidence is currently insufficient to determine the role of this variant in disease. Therefore, it has been classified as a Variant of Uncertain Significance.

NM_000455.5(STK11):c.81C>G (p.His27Gln)

Gene: STK11 (serine/threonine kinase 11; plus strand). Cytogenetic location: 19p13.3.
Variant type: single nucleotide variant.
Coding change: c.81C>G on transcript NM_000455.5 (MANE Select); coding-DNA position 81, C replaced by G.
Protein change: p.His27Gln; replaces histidine 27 with glutamine.
Molecular consequence: missense variant. On other transcripts: non-coding transcript variant (1).
Genome position (GRCh38, 1-based): chr19:1,206,994, C>G. VCF-style: chr19-1206994-C-G. GRCh37 (hg19) VCF-style: chr19-1206993-C-G.
Other names: c.81C>G, p.His27Gln (NM_001407255.1); short protein forms H27Q.
Identifiers: ClinVar variation 3640432 (VCV003640432.2).